The following is an entry in ClinVar:

ClinVar aggregate classification (germline): Likely pathogenic (1 of 4 stars; one submission).

Submission:

Labcorp Genetics (formerly Invitae), Labcorp
Classification: Likely pathogenic. Last evaluated: 2019-07-23. Review status: criteria provided, single submitter. Criteria: Invitae Variant Classification Sherloc (09022015). Collection method: clinical testing. Allele origin: germline.
Comment: This variant results in a copy number gain of the genomic region encompassing exon 12 of the EYS gene. While the exact position of this variant cannot be determined from this data, sub-genic copy number gains are generally in tandem (PMID: 25640679) and may result in an absent or disrupted protein product. This variant has not been reported in the literature in individuals with EYS-related conditions. Loss-of-function variants in EYS are known to be pathogenic (PMID: 18836446, 20333770). In summary, the currently available evidence indicates that the variant is pathogenic, but additional data are needed to prove that conclusively. Therefore, this variant has been classified as Likely Pathogenic.

NC_000006.12:g.(?_65295853)_(65296129_?)dup

Gene: EYS (eyes shut homolog; minus strand). Cytogenetic location: 6q12.
Variant type: Duplication.
Identifiers: ClinVar variation 830792 (VCV000830792.1).